The following is an entry in ClinVar:

ClinVar aggregate classification (germline): Uncertain significance. Review status: criteria provided, multiple submitters, no conflicts (2 of 4 stars). 3 submissions from 3 submitters: Uncertain significance (3). Last evaluated 2026-03-01.

Conditions:
Inborn genetic diseases. Identifiers: MedGen C0950123, MeSH D030342.

gnomAD v4.1: 67 of 1,613,962 alleles (0.0042%); highest among the groups gnomAD compares: Middle Eastern, 0.033%; no homozygotes.

Submissions (3):

CeGaT Center for Human Genetics Tuebingen
Classification: Uncertain significance. Last evaluated: 2026-03-01. Review status: criteria provided, single submitter. Criteria: CeGaT Center For Human Genetics Tuebingen Variant Classification Criteria Version 2. Collection method: clinical testing. Allele origin: germline. Affected: yes. Observed: 1 variant allele.
Comment: ANK3: PM2

Ambry Genetics
Classification: Uncertain significance for Inborn genetic diseases. Last evaluated: 2025-11-20. Review status: criteria provided, single submitter. Criteria: Ambry Variant Classification Scheme 2023. Collection method: clinical testing. Allele origin: germline.

Labcorp Genetics (formerly Invitae), Labcorp
Classification: Uncertain significance. Last evaluated: 2023-06-29. Review status: criteria provided, single submitter. Criteria: Invitae Variant Classification Sherloc (09022015). Collection method: clinical testing. Allele origin: germline.
Comment: This variant is present in population databases (rs562676999, gnomAD 0.02%). In summary, the available evidence is currently insufficient to determine the role of this variant in disease. Therefore, it has been classified as a Variant of Uncertain Significance. An algorithm developed to predict the effect of missense changes on protein structure and function (PolyPhen-2) suggests that this variant is likely to be disruptive. ClinVar contains an entry for this variant (Variation ID: 1505377). This variant has not been reported in the literature in individuals affected with ANK3-related conditions. This sequence change replaces threonine, which is neutral and polar, with serine, which is neutral and polar, at codon 2589 of the ANK3 protein (p.Thr2589Ser).

NM_020987.5(ANK3):c.7766C>G (p.Thr2589Ser)

Gene: ANK3 (ankyrin 3; minus strand). Cytogenetic location: 10q21.2.
Variant type: single nucleotide variant.
Coding change: c.7766C>G on transcript NM_020987.5 (MANE Select); coding-DNA position 7766, C replaced by G.
Protein change: p.Thr2589Ser; replaces threonine 2589 with serine.
Molecular consequence: missense variant. On other transcripts: intron variant (4).
Genome position (GRCh38, 1-based): chr10:60,073,115, G>C on the plus strand (C>G on the coding strand, the complement: ANK3 is on the minus strand). VCF-style: chr10-60073115-G-C. GRCh37 (hg19) VCF-style: chr10-61832873-G-C.
Other names: c.4388-5106C>G (NM_001204403.2); c.4409-5106C>G (NM_001204404.2); c.4406-5106C>G (NM_001320874.2); c.1808-5106C>G (NM_001149.4); c.7766C>G (NM_020987.3); short protein forms T2589S.
Identifiers: ClinVar variation 1505377 (VCV001505377.11), dbSNP rs562676999, ClinGen allele CA5511669.
Genomic context (GRCh38, chr10:60,073,115, plus strand): 5'-GGGGACTGCAGTTCATCATTTAGCTTTTCAGTTTTGTCACGAAAAAACTGTGACACTTCA[G>C]TCAGTTTTTCTTCAGCCTCCTTCACAGTCCTGTCCACCCTATCTTCATATATCAACTTCT-3'
Protein context (NP_066267.2, residues 2579-2599): RTVKEAEEKL[Thr2589Ser]EVSQFFRDKT